The following is an entry in ClinVar:

ClinVar aggregate classification (germline): Uncertain significance (1 of 4 stars; one submission).

Conditions:
Fetal akinesia deformation sequence 1 (FADS1). Also called: Fetal akinesia sequence; Pena-Shokeir syndrome type I. Identifiers: Orphanet 994, MedGen C1276035, MONDO:0100101, OMIM 208150, HP:0001989.
Congenital myasthenic syndrome 10. Also called: Myasthenia, limb-girdle, familial. Identifiers: Orphanet 590, MedGen C1850792, MONDO:0009690, OMIM 254300.

Submission:

Labcorp Genetics (formerly Invitae), Labcorp
Classification: Uncertain significance for Congenital myasthenic syndrome 10; Fetal akinesia deformation sequence 1. Last evaluated: 2020-04-20. Review status: criteria provided, single submitter. Criteria: Invitae Variant Classification Sherloc (09022015). Collection method: clinical testing. Allele origin: germline.
Comment: In summary, the available evidence is currently insufficient to determine the role of this variant in disease. Therefore, it has been classified as a Variant of Uncertain Significance. Algorithms developed to predict the effect of missense changes on protein structure and function are either unavailable or do not agree on the potential impact of this missense change (SIFT: "Deleterious"; PolyPhen-2: "Probably Damaging"; Align-GVGD: "Class C15"). This variant has not been reported in the literature in individuals with DOK7-related conditions. This variant is not present in population databases (ExAC no frequency). This sequence change replaces glycine with tryptophan at codon 189 of the DOK7 protein (p.Gly189Trp). The glycine residue is highly conserved and there is a large physicochemical difference between glycine and tryptophan.

NM_173660.5(DOK7):c.565G>T (p.Gly189Trp)

Genes: DOK7 (docking protein 7; plus strand), LOC126806951 (CDK7 strongly-dependent group 2 enhancer GRCh37_chr4:3486115-3487314; plus strand). Cytogenetic location: 4p16.3.
Variant type: single nucleotide variant.
Coding change: c.565G>T on transcript NM_173660.5 (MANE Select); coding-DNA position 565, G replaced by T.
Protein change: p.Gly189Trp; replaces glycine 189 with tryptophan.
Molecular consequence: missense variant. On other transcripts: 5 prime UTR variant (1).
Genome position (GRCh38, 1-based): chr4:3,485,571, G>T. VCF-style: chr4-3485571-G-T. GRCh37 (hg19) VCF-style: chr4-3487298-G-T.
Other names: c.554G>T, p.Gly185Val (NM_001164673.2); c.-366G>T (NM_001256896.2); c.565G>T, p.Gly189Trp (NM_001301071.2); c.133G>T, p.Gly45Trp (NM_001363811.2); short protein forms G185V, G189W, G45W.
Identifiers: ClinVar variation 1020667 (VCV001020667.9), dbSNP rs1727720417, ClinGen allele CA356114941.